The following is an entry in ClinVar:

ClinVar aggregate classification (germline): Uncertain significance (1 of 4 stars; one submission).

Conditions:
Familial thoracic aortic aneurysm and aortic dissection (TAAD). Also called: Thoracic aortic aneurysms and dissections. Identifiers: Orphanet 91387, MedGen C4707243, MONDO:0019625.

Allele frequency attached by ClinVar (database versions not stated): gnomAD exomes below 0.00001; gnomAD 0.00001.
gnomAD v4.1: 3 of 1,612,416 alleles (0.00019%); highest among the groups gnomAD compares: East Asian, 0.0067%; no homozygotes.

Submission:

Ambry Genetics
Classification: Uncertain significance for Familial thoracic aortic aneurysm and aortic dissection. Last evaluated: 2022-02-11. Review status: criteria provided, single submitter. Criteria: Ambry Variant Classification Scheme 2023. Collection method: clinical testing. Allele origin: germline.
Comment: The p.E466D variant (also known as c.1398G>T), located in coding exon 4 of the SKI gene, results from a G to T substitution at nucleotide position 1398. The glutamic acid at codon 466 is replaced by aspartic acid, an amino acid with highly similar properties. This amino acid position is conserved. In addition, this alteration is predicted to be tolerated by in silico analysis. Since supporting evidence is limited at this time, the clinical significance of this alteration remains unclear.

NM_003036.4(SKI):c.1398G>T (p.Glu466Asp)

Gene: SKI (SKI proto-oncogene; plus strand). Cytogenetic location: 1p36.32.
Variant type: single nucleotide variant.
Coding change: c.1398G>T on transcript NM_003036.4 (MANE Select); coding-DNA position 1398, G replaced by T.
Protein change: p.Glu466Asp; replaces glutamic acid 466 with aspartic acid.
Molecular consequence: missense variant.
Genome position (GRCh38, 1-based): chr1:2,304,026, G>T. VCF-style: chr1-2304026-G-T. GRCh37 (hg19) VCF-style: chr1-2235465-G-T.
Other names: short protein forms E466D.
Identifiers: ClinVar variation 1771680 (VCV001771680.2), dbSNP rs1319885450, ClinGen allele CA337956621.